The following is an entry in ClinVar:

NM_015122.3(FCHO1):c.2415G>A (p.Pro805=)

Gene: FCHO1 (FCH and mu domain containing endocytic adaptor 1; plus strand). Cytogenetic location: 19p13.11.
Variant type: single nucleotide variant.
Coding change: c.2415G>A on transcript NM_015122.3 (MANE Select); coding-DNA position 2415, G replaced by A.
Protein change: p.Pro805=; no amino-acid change (proline 805 retained).
Molecular consequence: synonymous variant. On other transcripts: non-coding transcript variant (35), intron variant (5).
Genome position (GRCh38, 1-based): chr19:17,784,913, G>A. VCF-style: chr19-17784913-G-A. GRCh37 (hg19) VCF-style: chr19-17895722-G-A.
Other names: c.2415G>A, p.Pro805= (NM_001161357.2, NM_001161358.2, NM_001384370.1 and 11 more transcripts); c.2265G>A, p.Pro755= (NM_001161359.2, NM_001384384.1, NM_001384385.1 and 1 more transcripts); c.2394G>A, p.Pro798= (NM_001384387.1); c.2376G>A, p.Pro792= (NM_001384388.1, NM_001384389.1); c.2340G>A, p.Pro780= (NM_001384390.1); c.2298G>A, p.Pro766= (NM_001384392.1, NM_001384393.1, NM_001384394.1 and 1 more transcripts); c.2139G>A, p.Pro713= (NM_001384396.1, NM_001384397.1, NM_001384398.1 and 4 more transcripts); c.2094G>A, p.Pro698= (NM_001384403.1); and 5 more.
Identifiers: ClinVar variation 1594388 (VCV001594388.18), dbSNP rs144763703, ClinGen allele CA9300862.

ClinVar aggregate classification (germline): Likely benign. Review status: criteria provided, multiple submitters, no conflicts (2 of 4 stars). 4 submissions from 4 submitters: Likely benign (4). Last evaluated 2026-01-06.

Allele frequency attached by ClinVar (database versions not stated): 1000 Genomes Project 30x 0.00031; 1000 Genomes Project 0.00040; ExAC 0.00040; TOPMed 0.00046; gnomAD exomes 0.00048 and 0.00055; gnomAD 0.00058 and 0.00060; ESP Exome Variant Server 0.00062.
gnomAD v4.1: 892 of 1,611,536 alleles (0.055%); highest among the groups gnomAD compares: Admixed American, 0.1%; no homozygotes.

Submissions (4):

Labcorp Genetics (formerly Invitae), Labcorp
Classification: Likely benign. Last evaluated: 2026-01-06. Review status: criteria provided, single submitter. Criteria: Invitae Variant Classification Sherloc (09022015). Collection method: clinical testing. Allele origin: germline.

CeGaT Center for Human Genetics Tuebingen
Classification: Likely benign. Last evaluated: 2025-07-01. Review status: criteria provided, single submitter. Criteria: CeGaT Center For Human Genetics Tuebingen Variant Classification Criteria Version 2. Collection method: clinical testing. Allele origin: germline. Affected: yes. Observed: 1 variant allele.
Comment: FCHO1: BP4, BP7

Laboratory of Genetics, Children's Clinical University Hospital Latvia
Classification: Likely benign. Last evaluated: 2025-02-16. Review status: criteria provided, single submitter. Criteria: ACMG Guidelines, 2015. Collection method: clinical testing. Allele origin: germline. Affected: yes.

Blueprint Genetics
Classification: Likely benign. Last evaluated: 2024-11-15. Review status: criteria provided, single submitter. Criteria: ACMG Guidelines, 2015. Collection method: clinical testing. Allele origin: germline.